The following is an entry in ClinVar:

NM_000458.4(HNF1B):c.495_496del (p.Ala166fs)

Gene: HNF1B (HNF1 homeobox B; minus strand). Cytogenetic location: 17q12.
Variant type: Deletion.
Coding change: c.495_496del on transcript NM_000458.4 (MANE Select); coding-DNA positions 495 to 496, 2 bases deleted (TG; older notation c.495_496delTG).
Protein change: p.Ala166fs; shifts the reading frame from alanine 166.
Molecular consequence: frameshift variant.
Genome position (GRCh38, 1-based): chr17:37,739,488-37,739,489, CA deleted on the plus strand (TG on the coding strand, the reverse complement: HNF1B is on the minus strand); deleting any 2 consecutive bases within chr17:37,739,488-37,739,490 gives the same sequence; the c. name uses the placement nearest the transcript's 3' end. VCF-style (leftmost placement, unchanged base first): chr17-37739487-GCA-G. GRCh37 (hg19) VCF-style: chr17-36099478-GCA-G.
Other names: c.495_496del, p.Ala166fs (NM_001165923.4, NM_001304286.2); short protein forms A166fs.
Identifiers: ClinVar variation 974388 (VCV000974388.2), dbSNP rs2033927631, ClinGen allele CA1139665506.

ClinVar aggregate classification (germline): Pathogenic. Review status: criteria provided, multiple submitters, no conflicts (2 of 4 stars). 2 submissions from 2 submitters: Pathogenic (2). Last evaluated 2020-02-01.

Conditions:
Renal cysts and diabetes syndrome (RCAD). Also called: Familial hypoplastic, glomerulocystic kidney; MATURITY-ONSET DIABETES OF THE YOUNG, TYPE 5. Identifiers: Orphanet 93111, MedGen C0431693, MONDO:0007669, OMIM 137920.
Maturity-onset diabetes of the young (MODY). Also called: Maturity onset diabetes mellitus in young. Identifiers: Orphanet 552, MedGen C0342276, MONDO:0018911, HP:0004904.

Submissions (2):

Molecular Biology Laboratory, Fundació Puigvert
Classification: Pathogenic for Renal cysts and diabetes syndrome. Last evaluated: 2020-02-01. Review status: criteria provided, single submitter. Criteria: ACMG Guidelines, 2015. Collection method: research. Allele origin: paternal. Affected: yes. Study: KidneyPanel_2020.

Clinical Genomics, Uppaluri K&H Personalized Medicine Clinic
Classification: Pathogenic for Maturity-onset diabetes of the young. Review status: criteria provided, single submitter. Criteria: K & H Uppaluri Personalized Medicine Clinic Variant Classification & Assertion Criteria_Updated V.1. Collection method: research. Allele origin: unknown. Inheritance: Autosomal dominant inheritance.
Comment: HNF1B gene mutations are associated with early onset diabetes and pancreatic atrophy. It is also associated with multiple renal manifestations including renal cysts, Tubulointerstitial disease, glomerulocystic disease, renal hypoplasia, hypomagnesemia. However no sufficient evidence is found to ascertain the role of this particular variant rs2033927631, yet.

Literature cited by the submitters: PubMed 33532864 (cited by Molecular Biology Laboratory, Fundació Puigvert); PubMed 24897035 (cited by Clinical Genomics, Uppaluri K&H Personalized Medicine Clinic); PubMed 25536396 (cited by Clinical Genomics, Uppaluri K&H Personalized Medicine Clinic); PubMed 27615128 (cited by Clinical Genomics, Uppaluri K&H Personalized Medicine Clinic); PubMed 28215227 (cited by Clinical Genomics, Uppaluri K&H Personalized Medicine Clinic); PubMed 33434175 (cited by Clinical Genomics, Uppaluri K&H Personalized Medicine Clinic); PubMed 25741167 (cited by Clinical Genomics, Uppaluri K&H Personalized Medicine Clinic); PubMed 26340261 (cited by Clinical Genomics, Uppaluri K&H Personalized Medicine Clinic); PubMed 19639018 (cited by Clinical Genomics, Uppaluri K&H Personalized Medicine Clinic).